The following is an entry in ClinVar:

NM_017813.5(BPNT2):c.*2288G>A

Gene: BPNT2 (3'(2'), 5'-bisphosphate nucleotidase 2; minus strand). Cytogenetic location: 8q12.1.
Variant type: single nucleotide variant.
Coding change: c.*2288G>A on transcript NM_017813.5 (MANE Select); 2288 bases downstream of the stop codon, G replaced by A.
Molecular consequence: 3 prime UTR variant.
Genome position (GRCh38, 1-based): chr8:56,961,505, C>T on the plus strand (G>A on the coding strand, the complement: BPNT2 is on the minus strand). VCF-style: chr8-56961505-C-T. GRCh37 (hg19) VCF-style: chr8-57874064-C-T.
Identifiers: ClinVar variation 363367 (VCV000363367.6), dbSNP rs1396115, ClinGen allele CA10625639.

ClinVar aggregate classification (germline): Benign. Review status: criteria provided, multiple submitters, no conflicts (2 of 4 stars). 2 submissions from 2 submitters: Benign (2). Last evaluated 2018-01-12.

Conditions:
Chondrodysplasia with joint dislocations, gPAPP type. Also called: GPAPP DEFICIENCY. Identifiers: Orphanet 280586, MedGen C3279757, MONDO:0013561, OMIM 614078.

Allele frequency attached by ClinVar (database versions not stated): gnomAD 0.20806; TOPMed 0.22117; 1000 Genomes Project 0.27077; 1000 Genomes Project 30x 0.27202.

Submissions (2):

Illumina Laboratory Services, Illumina
Classification: Benign for Chondrodysplasia with joint dislocations, gPAPP type. Last evaluated: 2018-01-12. Review status: criteria provided, single submitter. Criteria: ICSL Variant Classification Criteria 13 December 2019. Collection method: clinical testing. Allele origin: germline.
Comment: This variant was observed in the ICSL laboratory as part of a predisposition screen in an ostensibly healthy population. It had not been previously curated by ICSL or reported in the Human Gene Mutation Database (HGMD: prior to June 1st, 2018), and was therefore a candidate for classification through an automated scoring system. Utilizing variant allele frequency, disease prevalence and penetrance estimates, and inheritance mode, an automated score was calculated to assess if this variant is too frequent to cause the disease. Based on the score and internal cut-off values, a variant classified as benign is not then subjected to further curation. The score for this variant resulted in a classification of benign for this disease.

Breakthrough Genomics
Classification: Benign. Review status: criteria provided, single submitter. Criteria: ACMG Guidelines, 2015. Collection method: not provided. Allele origin: germline. Inheritance: Autosomal recessive inheritance. Affected: yes.